The following is an entry in ClinVar:

NM_207122.2(EXT2):c.519G>C (p.Ala173=)

Gene: EXT2 (exostosin glycosyltransferase 2; plus strand). Cytogenetic location: 11p11.2.
Variant type: single nucleotide variant.
Coding change: c.519G>C on transcript NM_207122.2 (MANE Select); coding-DNA position 519, G replaced by C.
Protein change: p.Ala173=; no amino-acid change (alanine 173 retained).
Molecular consequence: synonymous variant.
Genome position (GRCh38, 1-based): chr11:44,108,231, G>C. VCF-style: chr11-44108231-G-C. GRCh37 (hg19) VCF-style: chr11-44129781-G-C.
Other names: p.Ala173=; c.618G>C, p.Ala206= (NM_000401.3); c.519G>C, p.Ala173= (NM_001178083.3, NM_001389628.1, NM_001389630.1).
Identifiers: ClinVar variation 304577 (VCV000304577.43), dbSNP rs148121594, ClinGen allele CA5954905.

ClinVar aggregate classification (germline): Benign/Likely benign. Review status: criteria provided, multiple submitters, no conflicts (2 of 4 stars). 8 submissions from 8 submitters: Benign (4); Likely benign (4). Last evaluated 2026-09-01.

Conditions:
Seizures-scoliosis-macrocephaly syndrome. Also called: Seizures, scoliosis, and macrocephaly syndrome; SEIZURES, SCOLIOSIS, AND MACROCEPHALY/MICROCEPHALY SYNDROME. Identifiers: Orphanet 466926, MedGen C4225248, MONDO:0014731, OMIM 616682.
Exostoses, multiple, type 2 (EXT2). Also called: EXOSTOSES, MULTIPLE, TYPE II; Hereditary Multiple Osteochondromatosis, Type II. Identifiers: Orphanet 321, MedGen C1851413, MONDO:0007586, OMIM 133701.
Exostoses, multiple, type 1 (EXT1). Also called: EXOSTOSES, MULTIPLE, TYPE I; Hereditary Multiple Osteochondromatosis, Type I. Identifiers: MedGen CN263289, MONDO:0007585, OMIM 133700.

Allele frequency attached by ClinVar (database versions not stated): 1000 Genomes Project 30x 0.00156; 1000 Genomes Project 0.00180; TOPMed 0.00549; ESP Exome Variant Server 0.00700.
gnomAD v4.1: 13,490 of 1,612,728 alleles (0.84%); highest among the groups gnomAD compares: Non-Finnish European, 1%; 69 homozygotes.

Submissions (8):

CeGaT Center for Human Genetics Tuebingen
Classification: Likely benign. Last evaluated: 2026-09-01. Review status: criteria provided, single submitter. Criteria: CeGaT Center For Human Genetics Tuebingen Variant Classification Criteria Version 2. Collection method: clinical testing. Allele origin: germline. Affected: yes. Observed: 22 variant alleles.
Comment: EXT2: BP4, BP7, BS2

Labcorp Genetics (formerly Invitae), Labcorp
Classification: Benign for Exostoses, multiple, type 2. Last evaluated: 2026-01-30. Review status: criteria provided, single submitter. Criteria: Invitae Variant Classification Sherloc (09022015). Collection method: clinical testing. Allele origin: germline.

Mayo Clinic Laboratories, Mayo Clinic
Classification: Likely benign. Last evaluated: 2024-12-22. Review status: criteria provided, single submitter. Criteria: ACMG Guidelines, 2015. Collection method: clinical testing. Allele origin: germline. Observed: 3 variant alleles.
Comment: BS1, BP4, BP7

Blueprint Genetics
Classification: Likely benign. Last evaluated: 2024-11-27. Review status: criteria provided, single submitter. Criteria: ACMG Guidelines, 2015. Collection method: clinical testing. Allele origin: germline.

KCCC/NGS Laboratory, Kuwait Cancer Control Center
Classification: Benign for Exostoses, multiple, type 1. Last evaluated: 2023-07-07. Review status: criteria provided, single submitter. Criteria: ACMG Guidelines, 2015. Collection method: clinical testing. Allele origin: germline. Affected: yes.

Fulgent Genetics
Classification: Likely benign for Exostoses, multiple, type 2; Seizures-scoliosis-macrocephaly syndrome. Last evaluated: 2021-09-14. Review status: criteria provided, single submitter. Criteria: ACMG Guidelines, 2015. Collection method: clinical testing. Allele origin: unknown.

Illumina Laboratory Services, Illumina
Classification: Benign for Exostoses, multiple, type 2. Last evaluated: 2018-01-13. Review status: criteria provided, single submitter. Criteria: ICSL Variant Classification Criteria 13 December 2019. Collection method: clinical testing. Allele origin: germline.
Comment: This variant was observed in the ICSL laboratory as part of a predisposition screen in an ostensibly healthy population. It had not been previously curated by ICSL or reported in the Human Gene Mutation Database (HGMD: prior to June 1st, 2018), and was therefore a candidate for classification through an automated scoring system. Utilizing variant allele frequency, disease prevalence and penetrance estimates, and inheritance mode, an automated score was calculated to assess if this variant is too frequent to cause the disease. Based on the score and internal cut-off values, a variant classified as benign is not then subjected to further curation. The score for this variant resulted in a classification of benign for this disease.

Breakthrough Genomics
Classification: Benign. Review status: criteria provided, single submitter. Criteria: ACMG Guidelines, 2015. Collection method: not provided. Allele origin: germline. Inheritance: Autosomal recessive inheritance. Affected: yes.